The following is an entry in ClinVar:

NM_006277.3(ITSN2):c.3699+56T>C

Gene: ITSN2 (intersectin 2; minus strand). Cytogenetic location: 2p23.3.
Variant type: single nucleotide variant.
Coding change: c.3699+56T>C on transcript NM_006277.3 (MANE Select); 56 bases into the intron after coding-DNA position 3699, T replaced by C.
Molecular consequence: intron variant. On other transcripts: 3 prime UTR variant (1).
Genome position (GRCh38, 1-based): chr2:24,220,889, A>G on the plus strand (T>C on the coding strand, the complement: ITSN2 is on the minus strand). VCF-style: chr2-24220889-A-G. GRCh37 (hg19) VCF-style: chr2-24443758-A-G.
Other names: c.*5T>C (NM_147152.3); c.3579+56T>C (NM_001348182.2); c.3618+56T>C (NM_019595.4); c.3657+56T>C (NM_001348181.2).
Identifiers: ClinVar variation 3051850 (VCV003051850.2), dbSNP rs376658504, ClinGen allele CA1550825.

ClinVar aggregate classification (germline): Likely benign (0 of 4 stars; one submission).

Conditions:
ITSN2-related disorder. Also called: ITSN2-related condition.

Allele frequency attached by ClinVar (database versions not stated): gnomAD exomes 0.00005; ExAC 0.00008; ESP Exome Variant Server 0.00014; 1000 Genomes Project 30x 0.00031; gnomAD 0.00031; 1000 Genomes Project 0.00040; TOPMed 0.00042.

Submission:

PreventionGenetics, part of Exact Sciences
Classification: Likely benign for ITSN2-related condition. Last evaluated: 2024-01-25. Review status: no assertion criteria provided. Collection method: clinical testing. Allele origin: germline.
Comment: This variant is classified as likely benign based on ACMG/AMP sequence variant interpretation guidelines (Richards et al. 2015 PMID: 25741868, with internal and published modifications).